The following is an entry in ClinVar:

NM_000443.4(ABCB4):c.3176T>C (p.Val1059Ala)

Gene: ABCB4 (ATP binding cassette subfamily B member 4; minus strand). Cytogenetic location: 7q21.12.
Variant type: single nucleotide variant.
Coding change: c.3176T>C on transcript NM_000443.4 (MANE Select); coding-DNA position 3176, T replaced by C.
Protein change: p.Val1059Ala; replaces valine 1059 with alanine.
Molecular consequence: missense variant.
Genome position (GRCh38, 1-based): chr7:87,408,140, A>G on the plus strand (T>C on the coding strand, the complement: ABCB4 is on the minus strand). VCF-style: chr7-87408140-A-G. GRCh37 (hg19) VCF-style: chr7-87037456-A-G.
Other names: c.3176T>C, p.Val1059Ala (NM_018849.3); c.3035T>C, p.Val1012Ala (NM_018850.3); short protein forms V1012A, V1059A.
Identifiers: ClinVar variation 3671762 (VCV003671762.2).

ClinVar aggregate classification (germline): Uncertain significance (1 of 4 stars; one submission).

gnomAD v4.1: 4 of 1,613,918 alleles (0.00025%); highest among the groups gnomAD compares: African/African-American, 0.0053%; no homozygotes.

Submission:

Labcorp Genetics (formerly Invitae), Labcorp
Classification: Uncertain significance. Last evaluated: 2024-08-12. Review status: criteria provided, single submitter. Criteria: Invitae Variant Classification Sherloc (09022015). Collection method: clinical testing. Allele origin: germline.
Comment: This sequence change replaces valine, which is neutral and non-polar, with alanine, which is neutral and non-polar, at codon 1059 of the ABCB4 protein (p.Val1059Ala). This variant is present in population databases (no rsID available, gnomAD 0.008%). This variant has not been reported in the literature in individuals affected with ABCB4-related conditions. Advanced modeling of protein sequence and biophysical properties (such as structural, functional, and spatial information, amino acid conservation, physicochemical variation, residue mobility, and thermodynamic stability) has been performed at Invitae for this missense variant, however the output from this modeling did not meet the statistical confidence thresholds required to predict the impact of this variant on ABCB4 protein function. In summary, the available evidence is currently insufficient to determine the role of this variant in disease. Therefore, it has been classified as a Variant of Uncertain Significance.